The following is an entry in ClinVar:

NM_021930.6(RINT1):c.1966C>T (p.Arg656Ter)

Genes: EFCAB10 (EF-hand calcium binding domain 10; minus strand), RINT1 (RAD50 interactor 1; plus strand). Cytogenetic location: 7q22.3.
Variant type: single nucleotide variant.
Coding change: c.1966C>T on transcript NM_021930.6 (MANE Select); coding-DNA position 1966, C replaced by T.
Protein change: p.Arg656Ter; replaces arginine 656 with a stop codon.
Molecular consequence: nonsense. On other transcripts: 3 prime UTR variant (3), non-coding transcript variant (1).
Genome position (GRCh38, 1-based): chr7:105,565,356, C>T. VCF-style: chr7-105565356-C-T. GRCh37 (hg19) VCF-style: chr7-105205803-C-T.
Other names: c.*91G>A (NM_001355526.2); c.*193G>A (NM_001355530.2); c.*46G>A (NM_001355531.2); c.1732C>T, p.Arg578Ter (NM_001346599.2); c.943C>T, p.Arg315Ter (NM_001346600.2, NM_001346603.2); c.1042C>T, p.Arg348Ter (NM_001346601.2); short protein forms R315*, R348*, R578*, R656*.
Identifiers: ClinVar variation 1004811 (VCV001004811.8), dbSNP rs780062646, ClinGen allele CA4426824.
Genomic context (GRCh38, chr7:105,565,356, plus strand): 5'-CAGTCAGAGCAGGCAGTGATGTCCCTGTCCAGTTCGGCTTGCCCGTTGCTGCTGACGTTA[C>T]GAGACCATTTACTTCAGTTGGAGCAGCAGCTTTGTTTCTCCTTATTTAAAATTTTCTGGC-3'

ClinVar aggregate classification (germline): Conflicting classifications of pathogenicity. Review status: criteria provided, conflicting classifications (1 of 4 stars). 2 submissions from 2 submitters: Pathogenic (1); Uncertain significance (1). Last evaluated 2024-03-12.

Allele frequency attached by ClinVar (database versions not stated): ExAC 0.00002; gnomAD exomes 0.00002.
gnomAD v4.1: 15 of 1,614,168 alleles (0.00093%); highest among the groups gnomAD compares: East Asian, 0.0067%; no homozygotes.

Submissions (2):

Labcorp Genetics (formerly Invitae), Labcorp
Classification: Pathogenic. Last evaluated: 2024-03-12. Review status: criteria provided, single submitter. Criteria: Invitae Variant Classification Sherloc (09022015). Collection method: clinical testing. Allele origin: germline.
Comment: This sequence change creates a premature translational stop signal (p.Arg656*) in the RINT1 gene. It is expected to result in an absent or disrupted protein product. Loss-of-function variants in RINT1 are known to be pathogenic (PMID: 31204009). This variant is present in population databases (rs780062646, gnomAD 0.01%). This variant has not been reported in the literature in individuals affected with RINT1-related conditions. ClinVar contains an entry for this variant (Variation ID: 1004811). For these reasons, this variant has been classified as Pathogenic.

Ambry Genetics
Classification: Uncertain significance. Last evaluated: 2023-03-27. Review status: criteria provided, single submitter. Criteria: Ambry Variant Classification Scheme 2023. Collection method: clinical testing. Allele origin: germline.
Comment: The p.R656* variant (also known as c.1966C>T), located in coding exon 13 of the RINT1 gene, results from a C to T substitution at nucleotide position 1966. This changes the amino acid from an arginine to a stop codon within coding exon 13. This alteration is expected to result in loss of function by premature protein truncation or nonsense-mediated mRNA decay. The evidence for this gene-disease relationship is limited; therefore, the clinical significance of this alteration is unclear.

Literature cited by the submitters: PubMed 31204009 (cited by Labcorp Genetics (formerly Invitae), Labcorp).